The following is an entry in ClinVar:

NM_004260.4(RECQL4):c.2763G>C (p.Glu921Asp)

Gene: RECQL4 (RecQ like helicase 4; minus strand). Cytogenetic location: 8q24.3.
Variant type: single nucleotide variant.
Coding change: c.2763G>C on transcript NM_004260.4 (MANE Select); coding-DNA position 2763, G replaced by C.
Protein change: p.Glu921Asp; replaces glutamic acid 921 with aspartic acid.
Molecular consequence: missense variant.
Genome position (GRCh38, 1-based): chr8:144,512,764, C>G on the plus strand (G>C on the coding strand, the complement: RECQL4 is on the minus strand). VCF-style: chr8-144512764-C-G. GRCh37 (hg19) VCF-style: chr8-145738147-C-G.
Other names: short protein forms E921D.
Identifiers: ClinVar variation 1053919 (VCV001053919.3), dbSNP rs763244862, ClinGen allele CA4948083.

ClinVar aggregate classification (germline): Uncertain significance (1 of 4 stars; one submission).

Conditions:
Baller-Gerold syndrome (BGS). Also called: CRANIOSYNOSTOSIS WITH RADIAL DEFECTS. Identifiers: Orphanet 1225, MedGen C0265308, MONDO:0009039, OMIM 218600.

Allele frequency attached by ClinVar (database versions not stated): TOPMed below 0.00001; gnomAD exomes 0.00001; ExAC 0.00003.
gnomAD v4.1: 8 of 1,611,910 alleles (0.0005%); highest among the groups gnomAD compares: Non-Finnish European, 0.00068%; no homozygotes.

Submission:

Labcorp Genetics (formerly Invitae), Labcorp
Classification: Uncertain significance for Baller-Gerold syndrome. Last evaluated: 2023-07-20. Review status: criteria provided, single submitter. Criteria: Invitae Variant Classification Sherloc (09022015). Collection method: clinical testing. Allele origin: germline.
Comment: In summary, the available evidence is currently insufficient to determine the role of this variant in disease. Therefore, it has been classified as a Variant of Uncertain Significance. Advanced modeling of protein sequence and biophysical properties (such as structural, functional, and spatial information, amino acid conservation, physicochemical variation, residue mobility, and thermodynamic stability) performed at Invitae indicates that this missense variant is expected to disrupt RECQL4 protein function. ClinVar contains an entry for this variant (Variation ID: 1053919). This variant has not been reported in the literature in individuals affected with RECQL4-related conditions. This variant is present in population databases (rs763244862, gnomAD 0.003%). This sequence change replaces glutamic acid, which is acidic and polar, with aspartic acid, which is acidic and polar, at codon 921 of the RECQL4 protein (p.Glu921Asp).